The following is an entry in ClinVar:

NM_001621.5(AHR):c.392C>T (p.Thr131Ile)

Gene: AHR (aryl hydrocarbon receptor; plus strand). Cytogenetic location: 7p21.1.
Variant type: single nucleotide variant.
Coding change: c.392C>T on transcript NM_001621.5 (MANE Select); coding-DNA position 392, C replaced by T.
Protein change: p.Thr131Ile; replaces threonine 131 with isoleucine.
Molecular consequence: missense variant.
Genome position (GRCh38, 1-based): chr7:17,327,790, C>T. VCF-style: chr7-17327790-C-T. GRCh37 (hg19) VCF-style: chr7-17367414-C-T.
Other names: short protein forms T131I.
Identifiers: ClinVar variation 934093 (VCV000934093.4), dbSNP rs141667112, ClinGen allele CA4171820.

ClinVar aggregate classification (germline): Uncertain significance (1 of 4 stars; one submission).

Allele frequency attached by ClinVar (database versions not stated): gnomAD 0.00008 and 0.00009; gnomAD exomes 0.00010 and 0.00018; TOPMed 0.00011; ExAC 0.00014; 1000 Genomes Project 30x 0.00016; 1000 Genomes Project 0.00020; ESP Exome Variant Server 0.00023.
gnomAD v4.1: 262 of 1,579,218 alleles (0.017%); highest among the groups gnomAD compares: Non-Finnish European, 0.022%; no homozygotes.

Submission:

Labcorp Genetics (formerly Invitae), Labcorp
Classification: Uncertain significance. Last evaluated: 2022-07-19. Review status: criteria provided, single submitter. Criteria: Invitae Variant Classification Sherloc (09022015). Collection method: clinical testing. Allele origin: germline.
Comment: This sequence change replaces threonine, which is neutral and polar, with isoleucine, which is neutral and non-polar, at codon 131 of the AHR protein (p.Thr131Ile). This variant is present in population databases (rs141667112, gnomAD 0.03%). This variant has not been reported in the literature in individuals affected with AHR-related conditions. ClinVar contains an entry for this variant (Variation ID: 934093). Algorithms developed to predict the effect of missense changes on protein structure and function output the following: SIFT: "Tolerated"; PolyPhen-2: "Benign"; Align-GVGD: "Class C0". The isoleucine amino acid residue is found in multiple mammalian species, which suggests that this missense change does not adversely affect protein function. In summary, the available evidence is currently insufficient to determine the role of this variant in disease. Therefore, it has been classified as a Variant of Uncertain Significance.